The following is an entry in ClinVar:

ClinVar aggregate classification (germline): Conflicting classifications of pathogenicity. Review status: criteria provided, conflicting classifications (1 of 4 stars). 3 submissions from 3 submitters: Uncertain significance (2); Likely benign (1). Last evaluated 2024-12-20.

Conditions:
Hereditary cancer-predisposing syndrome. Also called: Neoplastic Syndromes, Hereditary; Hereditary Cancer Syndrome; Hereditary neoplastic syndrome; Tumor predisposition. Identifiers: Orphanet 140162, MedGen C0027672, MeSH D009386, MONDO:0015356.
Lynch syndrome 5 (LYNCH5). Also called: Colorectal cancer, hereditary nonpolyposis, type 5; Hereditary non-polyposis colorectal cancer, type 5. Identifiers: Orphanet 144, MedGen C1833477, MONDO:0013710, OMIM 614350. Disease mechanism: loss of function.
Hereditary nonpolyposis colorectal neoplasms. Identifiers: MedGen C0009405, MeSH D003123.

gnomAD v4.1: 1 of 1,614,172 alleles (0.000062%); highest among the groups gnomAD compares: Non-Finnish European, 0.000085%; no homozygotes.

Submissions (3):

Myriad Genetics, Inc.
Classification: Likely benign for Lynch syndrome 5. Last evaluated: 2024-12-20. Review status: criteria provided, single submitter. Criteria: Myriad Autosomal Dominant, Autosomal Recessive and X-Linked Classification Criteria (2023). Collection method: clinical testing. Allele origin: unknown.
Comment: This variant is considered likely benign. This variant is strongly associated with less severe personal and family histories of cancer, typical for individuals without pathogenic variants in this gene [PMID: 27363726].

Ambry Genetics
Classification: Uncertain significance for Hereditary cancer-predisposing syndrome. Last evaluated: 2024-05-07. Review status: criteria provided, single submitter. Criteria: Ambry Variant Classification Scheme 2023. Collection method: clinical testing. Allele origin: germline.
Comment: The p.S314R variant (also known as c.940A>C), located in coding exon 4 of the MSH6 gene, results from an A to C substitution at nucleotide position 940. The serine at codon 314 is replaced by arginine, an amino acid with dissimilar properties. This amino acid position is not well conserved in available vertebrate species. In addition, this alteration is predicted to be tolerated by in silico analysis. Based on the available evidence, the clinical significance of this variant remains unclear.

Labcorp Genetics (formerly Invitae), Labcorp
Classification: Uncertain significance for Hereditary nonpolyposis colorectal neoplasms. Last evaluated: 2023-03-03. Review status: criteria provided, single submitter. Criteria: Invitae Variant Classification Sherloc (09022015). Collection method: clinical testing. Allele origin: germline.
Comment: This sequence change replaces serine, which is neutral and polar, with arginine, which is basic and polar, at codon 314 of the MSH6 protein (p.Ser314Arg). This variant is not present in population databases (gnomAD no frequency). This missense change has been observed in individual(s) with colorectal cancer (PMID: 28135145). Advanced modeling of protein sequence and biophysical properties (such as structural, functional, and spatial information, amino acid conservation, physicochemical variation, residue mobility, and thermodynamic stability) performed at Invitae indicates that this missense variant is not expected to disrupt MSH6 protein function. In summary, the available evidence is currently insufficient to determine the role of this variant in disease. Therefore, it has been classified as a Variant of Uncertain Significance.

Literature cited by the submitters: PubMed 27363726 (cited by Myriad Genetics, Inc.); PubMed 28135145 (cited by Labcorp Genetics (formerly Invitae), Labcorp).

NM_000179.3(MSH6):c.940A>C (p.Ser314Arg)

Gene: MSH6 (mutS homolog 6; plus strand). Cytogenetic location: 2p16.3.
Variant type: single nucleotide variant.
Coding change: c.940A>C on transcript NM_000179.3 (MANE Select); coding-DNA position 940, A replaced by C.
Protein change: p.Ser314Arg; replaces serine 314 with arginine.
Molecular consequence: missense variant. On other transcripts: non-coding transcript variant (4), intron variant (1).
Genome position (GRCh38, 1-based): chr2:47,798,923, A>C. VCF-style: chr2-47798923-A-C. GRCh37 (hg19) VCF-style: chr2-48026062-A-C.
Other names: c.550A>C, p.Ser184Arg (NM_001281492.2); c.34A>C, p.Ser12Arg (NM_001281493.2, NM_001281494.2, NM_001406811.1 and 6 more transcripts); c.1036A>C, p.Ser346Arg (NM_001406795.1, NM_001406802.1); c.940A>C, p.Ser314Arg (NM_001406796.1, NM_001406798.1, NM_001406800.1 and 4 more transcripts); c.643A>C, p.Ser215Arg (NM_001406797.1, NM_001406801.1, NM_001406805.1 and 10 more transcripts); c.415A>C, p.Ser139Arg (NM_001406799.1, NM_001406806.1, NM_001406807.1); c.862A>C, p.Ser288Arg (NM_001406804.1); c.946A>C, p.Ser316Arg (NM_001406813.1); and 2 more; short protein forms S12R, S215R, S258R, S314R, S184R, S316R, S139R, S346R.
Identifiers: ClinVar variation 2842405 (VCV002842405.5), dbSNP rs1553412366, ClinGen allele CA346740775.
Genomic context (GRCh38, chr2:47,798,923, plus strand): 5'-GTCAAAGTTGCTCGAAAGCGGAAGAGAATGGTGACTGGAAATGGCTCTCTTAAAAGGAAA[A>C]GCTCTAGGAAGGAAACGCCCTCAGCCACCAAACAAGCAACTAGCATTTCATCAGAAACCA-3'
Protein context (NP_000170.1, residues 304-324): VTGNGSLKRK[Ser314Arg]SRKETPSATK